The following is an entry in ClinVar:

NM_001377.3(DYNC2H1):c.778G>C (p.Gly260Arg)

Gene: DYNC2H1 (dynein cytoplasmic 2 heavy chain 1; plus strand). Cytogenetic location: 11q22.3.
Variant type: single nucleotide variant.
Coding change: c.778G>C on transcript NM_001377.3 (MANE Select); coding-DNA position 778, G replaced by C.
Protein change: p.Gly260Arg; replaces glycine 260 with arginine.
Molecular consequence: missense variant.
Genome position (GRCh38, 1-based): chr11:103,117,642, G>C. VCF-style: chr11-103117642-G-C. GRCh37 (hg19) VCF-style: chr11-102988371-G-C.
Other names: c.778G>C, p.Gly260Arg (NM_001080463.2); short protein forms G260R.
Identifiers: ClinVar variation 4749115 (VCV004749115.1).
Genomic context (GRCh38, chr11:103,117,642, plus strand): 5'-ATAAAAATACATTTATTTCCCTTAAACTCTTTGCTTTATGTTTTATTAGGTGGTTCATTT[G>C]GAAGGTTTGTTCAGAAAAAGTTGGGAACTTTGAACCTGTGGGAAGATCCTTATTATCTTG-3'
Protein context (NP_001368.2, residues 250-270): HLLDIIGGSF[Gly260Arg]RFVQKKLGTL

ClinVar aggregate classification (germline): Uncertain significance (1 of 4 stars; one submission).

Conditions:
Jeune thoracic dystrophy. Also called: Short-rib thoracic dysplasia; Jeune syndrome; Infantile thoracic dystrophy; Thoracic pelvic phalangeal dystrophy; Jeune's syndrome; Chondroectodermal dysplasia-like syndrome. Identifiers: Orphanet 474, MedGen C0265275, MONDO:0018770.

gnomAD v4.1: 3 of 1,594,628 alleles (0.00019%); highest among the groups gnomAD compares: South Asian, 0.0035%; no homozygotes.

Submission:

Labcorp Genetics (formerly Invitae), Labcorp
Classification: Uncertain significance for Jeune thoracic dystrophy. Last evaluated: 2025-04-23. Review status: criteria provided, single submitter. Criteria: Invitae Variant Classification Sherloc (09022015). Collection method: clinical testing. Allele origin: germline.
Comment: This sequence change replaces glycine, which is neutral and non-polar, with arginine, which is basic and polar, at codon 260 of the DYNC2H1 protein (p.Gly260Arg). This variant is present in population databases (no rsID available, gnomAD 0.003%). This variant has not been reported in the literature in individuals affected with DYNC2H1-related conditions. Invitae Evidence Modeling of protein sequence and biophysical properties (such as structural, functional, and spatial information, amino acid conservation, physicochemical variation, residue mobility, and thermodynamic stability) has been performed for this missense variant. However, the output from this modeling did not meet the statistical confidence thresholds required to predict the impact of this variant on DYNC2H1 protein function. In summary, the available evidence is currently insufficient to determine the role of this variant in disease. Therefore, it has been classified as a Variant of Uncertain Significance.